The following is an entry in ClinVar:

ClinVar aggregate classification (germline): Likely benign (1 of 4 stars; one submission).

Conditions:
Malignant hyperthermia, susceptibility to, 1 (MHS1). Also called: Anesthesia related hyperthermia; Malignant hyperpyrexia; Fulminating hyperpyrexia; Pharmacogenic myopathy; Malignant hyperthermia suceptibility 1; RYR1-Related Malignant Hyperthermia Susceptibility. Identifiers: Orphanet 423, MedGen C2930980, MONDO:0007783, OMIM 145600.

gnomAD v4.1: 3 of 1,597,064 alleles (0.00019%); highest among the groups gnomAD compares: East Asian, 0.0045%; no homozygotes.

Submission:

All of Us Research Program, National Institutes of Health
Classification: Likely benign for Malignant hyperthermia, susceptibility to, 1. Last evaluated: 2024-02-22. Review status: criteria provided, single submitter. Criteria: ACMG Guidelines, 2015. Collection method: clinical testing. Allele origin: germline. Inheritance: Autosomal dominant inheritance. Observed: 1 variant allele, 1 heterozygote.
Comment: This study involves interpretation of variants in research participants for the purpose of population health screening. Participant phenotype was not available at the time of variant classification. Additional details can be found in publication PMID: 35346344, PMCID: PMC8962531

NM_000540.3(RYR1):c.7028-15C>T

Gene: RYR1 (ryanodine receptor 1; plus strand). Cytogenetic location: 19q13.2.
Variant type: single nucleotide variant.
Coding change: c.7028-15C>T on transcript NM_000540.3 (MANE Select); 15 bases into the intron before coding-DNA position 7028, C replaced by T.
Molecular consequence: intron variant.
Genome position (GRCh38, 1-based): chr19:38,499,620, C>T. VCF-style: chr19-38499620-C-T. GRCh37 (hg19) VCF-style: chr19-38990260-C-T.
Other names: c.7028-15C>T (NM_001042723.2).
Identifiers: ClinVar variation 3385439 (VCV003385439.1).